The following is an entry in ClinVar:

ClinVar aggregate classification (germline): Uncertain significance (1 of 4 stars; one submission).

Submission:

Labcorp Genetics (formerly Invitae), Labcorp
Classification: Uncertain significance. Last evaluated: 2022-10-17. Review status: criteria provided, single submitter. Criteria: Invitae Variant Classification Sherloc (09022015). Collection method: clinical testing. Allele origin: germline.
Comment: This variant is not present in population databases (gnomAD no frequency). This variant has not been reported in the literature in individuals affected with MYO7A-related conditions. Advanced modeling of protein sequence and biophysical properties (such as structural, functional, and spatial information, amino acid conservation, physicochemical variation, residue mobility, and thermodynamic stability) performed at Invitae indicates that this missense variant is not expected to disrupt MYO7A protein function. In summary, the available evidence is currently insufficient to determine the role of this variant in disease. Therefore, it has been classified as a Variant of Uncertain Significance. This sequence change replaces threonine, which is neutral and polar, with asparagine, which is neutral and polar, at codon 1549 of the MYO7A protein (p.Thr1549Asn).

NM_000260.4(MYO7A):c.4646C>A (p.Thr1549Asn)

Gene: MYO7A (myosin VIIA; plus strand). Cytogenetic location: 11q13.5.
Variant type: single nucleotide variant.
Coding change: c.4646C>A on transcript NM_000260.4 (MANE Select); coding-DNA position 4646, C replaced by A.
Protein change: p.Thr1549Asn; replaces threonine 1549 with asparagine.
Molecular consequence: missense variant. On other transcripts: intron variant (2).
Genome position (GRCh38, 1-based): chr11:77,199,612, C>A. VCF-style: chr11-77199612-C-A. GRCh37 (hg19) VCF-style: chr11-76910657-C-A.
Other names: c.4536-37C>A (NM_001369365.1); c.4569-37C>A (NM_001127180.2); short protein forms T1549N.
Identifiers: ClinVar variation 2104780 (VCV002104780.4), dbSNP rs1232069845, ClinGen allele CA381950644.